The following is an entry in ClinVar:

NM_003172.4(SURF1):c.54+5_54+6delinsTT

Genes: SURF1 (SURF1 cytochrome c oxidase assembly factor; minus strand), LOC130002899 (ATAC-STARR-seq lymphoblastoid silent region 20452; plus strand). Cytogenetic location: 9q34.2.
Variant type: Indel.
Coding change: c.54+5_54+6delinsTT on transcript NM_003172.4 (MANE Select); bases 5 to 6 of the intron after coding-DNA position 54, GC replaced by TT.
Molecular consequence: intron variant.
Genome position (GRCh38, 1-based): chr9:133,356,394-133,356,395, GC replaced by AA on the plus strand (GC replaced by TT on the coding strand, the reverse complement: SURF1 is on the minus strand). VCF-style: chr9-133356394-GC-AA. GRCh37 (hg19) VCF-style: chr9-136223270-GC-AA.
Other names: c.-222+5_-222+6delinsTT (NM_001280787.1).
Identifiers: ClinVar variation 2120237 (VCV002120237.4), dbSNP rs2490628855, ClinGen allele CA2580079967.

ClinVar aggregate classification (germline): Uncertain significance (1 of 4 stars; one submission).

Conditions:
Leigh syndrome (NULS). Also called: Subacute necrotizing encephalopathy; Necrotizing encephalopathy infantile subacute of Leigh; LEIGH SYNDROME, NUCLEAR; Leigh Syndrome (mtDNA deletion); Leigh's syndrome; Leigh Disease. Identifiers: Orphanet 506, MedGen C2931891, MONDO:0009723, OMIM 256000.

Submission:

Labcorp Genetics (formerly Invitae), Labcorp
Classification: Uncertain significance for Leigh syndrome. Last evaluated: 2022-04-01. Review status: criteria provided, single submitter. Criteria: Invitae Variant Classification Sherloc (09022015). Collection method: clinical testing. Allele origin: germline.
Comment: This sequence change falls in intron 1 of the SURF1 gene. It does not directly change the encoded amino acid sequence of the SURF1 protein. It affects a nucleotide within the consensus splice site. Information on the frequency of this variant in the gnomAD database is not available, as this variant may be reported differently in the database. This variant has not been reported in the literature in individuals affected with SURF1-related conditions. Variants that disrupt the consensus splice site are a relatively common cause of aberrant splicing (PMID: 17576681, 9536098). Experimental studies and prediction algorithms are not available or were not evaluated, and the effect of this variant on mRNA splicing is currently unknown. In summary, the available evidence is currently insufficient to determine the role of this variant in disease. Therefore, it has been classified as a Variant of Uncertain Significance.

Literature cited by the submitters: PubMed 17576681; PubMed 9536098.